The following is an entry in ClinVar:

NM_003000.3:c.287_540del

Gene: SDHB (succinate dehydrogenase complex iron sulfur subunit B; minus strand).
Variant type: Deletion.
Other names: c.287_540del (NM_003000.3).
Identifiers: ClinVar variation 3602774 (VCV003602774.2).

ClinVar aggregate classification (germline): Likely pathogenic (1 of 4 stars; one submission).

Conditions:
Hereditary pheochromocytoma and paraganglioma. Also called: Hereditary paragangliomas and pheochromocytomas; Hereditary Paraganglioma-Pheochromocytoma Syndromes; Hereditary pheochromocytoma-paraganglioma. Identifiers: Orphanet 29072, MedGen C4274332, MONDO:0017366.

Submission:

Department of Clinical Genetics, Copenhagen University Hospital, Rigshospitalet
Classification: Likely pathogenic for Hereditary pheochromocytoma and paraganglioma. Last evaluated: 2025-01-24. Review status: criteria provided, single submitter. Criteria: ACMG Guidelines, 2015. Collection method: clinical testing. Allele origin: germline.
Comment: The following ACMG criteria have been used in classification: PM2_SUP; PVS1

Literature cited by the submitters: PubMed 27279923.